The following is an entry in ClinVar:

NM_024577.4(SH3TC2):c.1436A>G (p.Tyr479Cys)

Gene: SH3TC2 (SH3 domain and tetratricopeptide repeats 2; minus strand). Cytogenetic location: 5q32.
Variant type: single nucleotide variant.
Coding change: c.1436A>G on transcript NM_024577.4 (MANE Select); coding-DNA position 1436, A replaced by G.
Protein change: p.Tyr479Cys; replaces tyrosine 479 with cysteine.
Molecular consequence: missense variant.
Genome position (GRCh38, 1-based): chr5:149,028,296, T>C on the plus strand (A>G on the coding strand, the complement: SH3TC2 is on the minus strand). VCF-style: chr5-149028296-T-C. GRCh37 (hg19) VCF-style: chr5-148407859-T-C.
Other names: short protein forms Y479C.
Identifiers: ClinVar variation 917269 (VCV000917269.8), dbSNP rs757167683, ClinGen allele CA3499176.
Genomic context (GRCh38, chr5:149,028,296, plus strand): 5'-TAAAAGGAAGAAGTGAGGAAAGAGAAGGAGAAGTCATAGAGACTCTTAAAGTGGTCAGCA[T>C]AACCCTCATGATCCAGAAAAGCCAATATGGGGGCGAAGTTCTCAGCCTCCTCCTCCTGAC-3'
Protein context (NP_078853.2, residues 469-489): PILAFLDHEG[Tyr479Cys]ADHFKSLYDF

ClinVar aggregate classification (germline): Uncertain significance. Review status: criteria provided, multiple submitters, no conflicts (2 of 4 stars). 4 submissions from 4 submitters: Uncertain significance (4). Last evaluated 2026-05-26.

Conditions:
Charcot-Marie-Tooth disease. Also called: Charcot-Marie-Tooth Neuropathy; Charcot-Marie-Tooth Hereditary Neuropathy. Identifiers: Orphanet 166, MedGen C0007959, MONDO:0015626.
SH3TC2-related disorder. Also called: SH3TC2-related disorders; SH3TC2-related condition. Identifiers: MedGen CN239303.
Inborn genetic diseases. Identifiers: MedGen C0950123, MeSH D030342.
Charcot-Marie-Tooth disease type 4. Also called: Charcot-Marie-Tooth disease, type IV; Charcot-Marie-Tooth, Type 4. Identifiers: Orphanet 64749, MedGen C4082197, MONDO:0018995.

Allele frequency attached by ClinVar (database versions not stated): gnomAD 0.00001; gnomAD exomes 0.00001 and 0.00002; ExAC 0.00002; TOPMed 0.00002.

Submissions (4):

PreventionGenetics, part of Exact Sciences
Classification: Uncertain significance for SH3TC2-related condition. Last evaluated: 2026-05-26. Review status: criteria provided, single submitter. Criteria: ACMG Guidelines, 2015. Collection method: clinical testing. Allele origin: germline.
Comment: The SH3TC2 c.1436A>G variant is predicted to result in the amino acid substitution p.Tyr479Cys. This variant was reported in an individual with Charcot-Marie-Tooth disease, however additional information including zygosity was not provided (Table S2, Volodarsky et al. 2021. PubMed ID: 32376792). This variant is reported in 0.0018% of alleles in individuals of European (Non-Finnish) descent in gnomAD. At this time, the clinical significance of this variant is uncertain due to the absence of conclusive functional and genetic evidence.

Labcorp Genetics (formerly Invitae), Labcorp
Classification: Uncertain significance for Charcot-Marie-Tooth disease type 4. Last evaluated: 2021-08-14. Review status: criteria provided, single submitter. Criteria: Invitae Variant Classification Sherloc (09022015). Collection method: clinical testing. Allele origin: germline.
Comment: This sequence change replaces tyrosine with cysteine at codon 479 of the SH3TC2 protein (p.Tyr479Cys). The tyrosine residue is highly conserved and there is a large physicochemical difference between tyrosine and cysteine. This variant is present in population databases (rs757167683, ExAC 0.003%). This variant has not been reported in the literature in individuals affected with SH3TC2-related conditions. ClinVar contains an entry for this variant (Variation ID: 917269). Advanced modeling of protein sequence and biophysical properties (such as structural, functional, and spatial information, amino acid conservation, physicochemical variation, residue mobility, and thermodynamic stability) performed at Invitae indicates that this missense variant is not expected to disrupt SH3TC2 protein function. In summary, the available evidence is currently insufficient to determine the role of this variant in disease. Therefore, it has been classified as a Variant of Uncertain Significance.

Ambry Genetics
Classification: Uncertain significance for Inborn genetic diseases. Last evaluated: 2019-11-19. Review status: criteria provided, single submitter. Criteria: Ambry Variant Classification Scheme 2023. Collection method: clinical testing. Allele origin: germline.
Comment: The p.Y479C variant (also known as c.1436A>G), located in coding exon 11 of the SH3TC2 gene, results from an A to G substitution at nucleotide position 1436. The tyrosine at codon 479 is replaced by cysteine, an amino acid with highly dissimilar properties. This amino acid position is well conserved in available vertebrate species. In addition, this alteration is predicted to be deleterious by in silico analysis. Since supporting evidence is limited at this time, the clinical significance of this alteration remains unclear.

Molecular Genetics Laboratory, London Health Sciences Centre
Classification: Uncertain significance for Charcot-Marie-Tooth disease. Review status: criteria provided, single submitter. Criteria: ACMG Guidelines, 2015. Collection method: clinical testing. Allele origin: germline. Affected: yes.